The following is an entry in ClinVar:

NM_000091.5(COL4A3):c.4154G>A (p.Gly1385Glu)

Genes: COL4A3 (collagen type IV alpha 3 chain; plus strand), MFF-DT (MFF divergent transcript; minus strand). Cytogenetic location: 2q36.3.
Variant type: single nucleotide variant.
Coding change: c.4154G>A on transcript NM_000091.5 (MANE Select); coding-DNA position 4154, G replaced by A.
Protein change: p.Gly1385Glu; replaces glycine 1385 with glutamic acid.
Molecular consequence: missense variant.
Genome position (GRCh38, 1-based): chr2:227,304,985, G>A. VCF-style: chr2-227304985-G-A. GRCh37 (hg19) VCF-style: chr2-228169701-G-A.
Other names: short protein forms G1385E.
Identifiers: ClinVar variation 3371055 (VCV003371055.4).

ClinVar aggregate classification (germline): Conflicting classifications of pathogenicity. Review status: criteria provided, conflicting classifications (1 of 4 stars). 4 submissions from 4 submitters: Likely pathogenic (3); Uncertain significance (1). Last evaluated 2026-06-01.

Conditions:
Autosomal dominant Alport syndrome (ATS3A). Also called: Alport syndrome dominant type; Renal failure and sensorineural hearing loss; ALPORT SYNDROME 3A, AUTOSOMAL DOMINANT. Identifiers: Orphanet 63, Orphanet 88918, MedGen C5882663, MONDO:0007086, OMIM 104200.
Hematuria, benign familial, 2 (BFH2). Identifiers: MedGen C5830421, MONDO:0958186, OMIM 620320.
Alport syndrome 3b, autosomal recessive. Identifiers: MedGen C5882699, MONDO:0957811, OMIM 620536.
Alport syndrome. Also called: Hemorrhagic familial nephritis; Hemorrhagic hereditary nephritis; Congenital hereditary hematuria. Identifiers: Orphanet 63, MedGen C1567741, MONDO:0018965.

gnomAD v4.1: 3 of 1,613,454 alleles (0.00019%); highest among the groups gnomAD compares: Middle Eastern, 0.033%; no homozygotes.

Submissions (4):

Women's Health and Genetics/Laboratory Corporation of America, LabCorp
Classification: Uncertain significance. Last evaluated: 2026-06-01. Review status: criteria provided, single submitter. Criteria: LabCorp Variant Classification Summary - May 2015. Collection method: clinical testing. Allele origin: germline.
Comment: Variant summary: COL4A3 c.4154G>A (p.Gly1385Glu) results in a non-conservative amino acid change in the encoded protein sequence. Algorithms developed to predict the effect of missense changes on protein structure and function all suggest that this variant is likely to be disruptive. Several computational tools predict a significant impact on normal splicing: Three predict the variant weakens a canonical 3' acceptor site and one predicts the variant has no significant impact on splicing. However, these predictions have yet to be confirmed by functional studies. The variant allele was found at a frequency of 4e-06 in 248996 control chromosomes. The available data on variant occurrences in the general population are insufficient to allow any conclusion about variant significance. To our knowledge, no occurrence of c.4154G>A in individuals affected with COL4A3-related conditions and no experimental evidence demonstrating its impact on protein function have been reported. ClinVar contains an entry for this variant (Variation ID: 3371055). Based on the evidence outlined above, the variant was classified as uncertain significance.

Natera, Inc.
Classification: Likely pathogenic for Alport syndrome. Last evaluated: 2025-08-21. Review status: criteria provided, single submitter. Criteria: Natera Variant Classification Schema (03/2026). Collection method: clinical testing. Allele origin: germline.
Comment: The c.4154G>A variant in COL4A3 is a missense variant predicted to cause substitution of glycine to glutamic acid at amino acid 1385. This variant is rare in the general population with a frequency below the threshold expected for the associated phenotype(s). This variant is located in a functionally critical region of the protein. Computational prediction algorithms indicate this variant is likely to affect gene or protein function. Given the available evidence, this variant is classified as Likely Pathogenic.

GeneDx
Classification: Likely pathogenic. Last evaluated: 2024-03-20. Review status: criteria provided, single submitter. Criteria: GeneDx Variant Classification Process June 2021. Collection method: clinical testing. Allele origin: germline. Affected: yes.
Comment: Affects a glycine residue in a Gly-X-Y motif in the triple helical region of the COL4A3 gene, where the majority of pathogenic missense variants occur, and is predicted to disrupt normal protein folding and function (HGMD; PMID: 10752524); Not observed at significant frequency in large population cohorts (gnomAD); In silico analysis supports that this missense variant has a deleterious effect on protein structure/function; Has not been previously published as pathogenic or benign to our knowledge; This variant is associated with the following publications: (PMID: 10752524)

Fulgent Genetics
Classification: Likely pathogenic for Autosomal dominant Alport syndrome; Hematuria, benign familial, 2; Alport syndrome 3b, autosomal recessive. Last evaluated: 2023-12-22. Review status: criteria provided, single submitter. Criteria: ACMG Guidelines, 2015. Collection method: clinical testing. Allele origin: germline.